The following is an entry in ClinVar:

ClinVar aggregate classification (germline): Pathogenic. Review status: criteria provided, multiple submitters, no conflicts (2 of 4 stars). 2 submissions from 2 submitters: Pathogenic (2). Last evaluated 2026-01-14.

Conditions:
Metaphyseal chondrodysplasia, McKusick type (CHH). Also called: Cartilage-Hair Hypoplasia (CHH); Cartilage-hair hypoplasia. Identifiers: Orphanet 175, MedGen C0220748, MONDO:0009595, OMIM 250250.
Anauxetic dysplasia. Identifiers: Orphanet 93347, MedGen C1846796, MONDO:0011773.

Submissions (2):

Labcorp Genetics (formerly Invitae), Labcorp
Classification: Pathogenic for Anauxetic dysplasia. Last evaluated: 2026-01-14. Review status: criteria provided, single submitter. Criteria: Invitae Variant Classification Sherloc (09022015). Collection method: clinical testing. Allele origin: germline.
Comment: This variant occurs in the RMRP gene, which encodes an RNA molecule that does not result in a protein product. This variant is present in population databases (no rsID available, gnomAD no frequency). This variant has been observed in individuals with cartilage-hair hypoplasia (PMID: 16832578). Other insertions and duplications immediately upstream of the coding sequence have been reported in individuals affected with cartilage-hair hypoplasia-anauxetic dysplasia (CHH-AD) spectrum disorders (PMID: 16244706, 11207361, 12107819). This variant is also known as 16-bp dup at +1 or c.-16_-1dup . While functional studies for this variant have not been reported, experimental analyses using patient derived cells, as well as in vitro transfection studies, have shown that promoter insertions result in silencing of RMRP transcription and reduced expression of the gene product (PMID: 11207361, 16254002). For these reasons, this variant has been classified as Pathogenic.

Natera, Inc.
Classification: Pathogenic for Cartilage-hair hypoplasia. Last evaluated: 2024-09-27. Review status: criteria provided, single submitter. Criteria: Natera Variant Classification Schema (03/2026). Collection method: clinical testing. Allele origin: germline.
Comment: The n.-15_1dupTGAAGCTGAGGACGTG variant in RMRP is a duplication affecting the RMRP promoter region between the TATA box and the transcription initiation site. Other duplications and insertions just upstream of the transcription initiation site have been reported in individuals affected with cartilage-hair hypoplasia (PMID: 11207361, 17937437). This variant is rare in the general population with a frequency below the threshold expected for the associated phenotype(s). This variant has been observed in one or more individuals affected with the associated recessive disease, as either homozygous or compound heterozygous with a second variant (PMID: 16832578). Given the available evidence, this variant is classified as Pathogenic.

Literature cited by the submitters: PubMed 16832578 (cited by Labcorp Genetics (formerly Invitae), Labcorp and Natera, Inc.); PubMed 16244706 (cited by Labcorp Genetics (formerly Invitae), Labcorp); PubMed 11207361 (cited by Labcorp Genetics (formerly Invitae), Labcorp and Natera, Inc.); PubMed 12107819 (cited by Labcorp Genetics (formerly Invitae), Labcorp); PubMed 16254002 (cited by Labcorp Genetics (formerly Invitae), Labcorp); PubMed 17937437 (cited by Natera, Inc.).

NR_003051.3(RMRP):n.-15_1dupTGAAGCTGAGGACGTG

Gene: RMRP (RNA component of mitochondrial RNA processing endoribonuclease; minus strand). Cytogenetic location: 9p13.3.
Variant type: Duplication.
Genome position: GRCh38 VCF-style: chr9-35658017-C-CCACGTCCTCAGCTTCA. GRCh37 (hg19) VCF-style: chr9-35658014-C-CCACGTCCTCAGCTTCA.
Identifiers: ClinVar variation 1067503 (VCV001067503.7), dbSNP rs1554651375, ClinGen allele CA587570184.